The following is an entry in ClinVar:

NM_001283009.2(RTEL1):c.2996G>A (p.Arg999Lys)

Genes: RTEL1 (regulator of telomere elongation helicase 1; plus strand), RTEL1-TNFRSF6B (RTEL1-TNFRSF6B readthrough (NMD candidate); plus strand). Cytogenetic location: 20q13.33.
Variant type: single nucleotide variant.
Coding change: c.2996G>A on transcript NM_001283009.2 (MANE Select); coding-DNA position 2996, G replaced by A.
Protein change: p.Arg999Lys; replaces arginine 999 with lysine.
Molecular consequence: missense variant. On other transcripts: non-coding transcript variant (1).
Genome position (GRCh38, 1-based): chr20:63,694,375, G>A. VCF-style: chr20-63694375-G-A. GRCh37 (hg19) VCF-style: chr20-62325728-G-A.
Other names: c.2327G>A, p.Arg776Lys (NM_001283010.1); c.2996G>A, p.Arg999Lys (NM_016434.4); c.3068G>A, p.Arg1023Lys (NM_032957.5); c.3068G>A (NM_032957.4); short protein forms R999K, R1023K, R776K.
Identifiers: ClinVar variation 2160406 (VCV002160406.4), dbSNP rs373897283, ClinGen allele CA409684336.

ClinVar aggregate classification (germline): Uncertain significance. Review status: criteria provided, multiple submitters, no conflicts (2 of 4 stars). 2 submissions from 2 submitters: Uncertain significance (2). Last evaluated 2026-06-12.

Conditions:
Inborn genetic diseases. Identifiers: MedGen C0950123, MeSH D030342.
Pulmonary fibrosis and/or bone marrow failure, Telomere-related, 3. Also called: PULMONARY FIBROSIS AND/OR BONE MARROW FAILURE SYNDROME, TELOMERE-RELATED, 3. Identifiers: Orphanet 2032, MedGen C4225346, MONDO:0014613, OMIM 616373.
Dyskeratosis congenita, autosomal recessive 5 (DKCB5). Identifiers: MedGen C3554656, MONDO:0014076, OMIM 615190.

gnomAD v4.1: 7 of 1,605,190 alleles (0.00044%); highest among the groups gnomAD compares: Non-Finnish European, 0.0006%; no homozygotes.

Submissions (2):

Ambry Genetics
Classification: Uncertain significance for Inborn genetic diseases. Last evaluated: 2026-06-12. Review status: criteria provided, single submitter. Criteria: Ambry Variant Classification Scheme 2023. Collection method: clinical testing. Allele origin: germline.
Comment: The p.R1023K variant (also known as c.3068G>A), located in coding exon 30 of the RTEL1 gene, results from a G to A substitution at nucleotide position 3068. The arginine at codon 1023 is replaced by lysine, an amino acid with highly similar properties. This amino acid position is conserved. In addition, this alteration is predicted to be tolerated by in silico analysis. Based on the available evidence, the clinical significance of this variant remains unclear.

Labcorp Genetics (formerly Invitae), Labcorp
Classification: Uncertain significance for Dyskeratosis congenita, autosomal recessive 5; Pulmonary fibrosis and/or bone marrow failure, Telomere-related, 3. Last evaluated: 2024-10-28. Review status: criteria provided, single submitter. Criteria: Invitae Variant Classification Sherloc (09022015). Collection method: clinical testing. Allele origin: germline.
Comment: This sequence change replaces arginine, which is basic and polar, with lysine, which is basic and polar, at codon 999 of the RTEL1 protein (p.Arg999Lys). This variant is present in population databases (no rsID available, gnomAD 0.0009%). This variant has not been reported in the literature in individuals affected with RTEL1-related conditions. ClinVar contains an entry for this variant (Variation ID: 2160406). An algorithm developed to predict the effect of missense changes on protein structure and function outputs the following: PolyPhen-2: "Benign". The lysine amino acid residue is found in multiple mammalian species, which suggests that this missense change does not adversely affect protein function. In summary, the available evidence is currently insufficient to determine the role of this variant in disease. Therefore, it has been classified as a Variant of Uncertain Significance.